The following is an entry in ClinVar:

ClinVar aggregate classification (germline): Uncertain significance (1 of 4 stars; one submission).

Conditions:
Mucopolysaccharidosis, MPS-II (MPS2). Also called: Mucopolysaccharidosis with skin involvement; Attenuated MPS (subtype; formerly known as mild MPS II); Severe MPS II; I2S deficiency; MPS 2; Hunter Syndrome. Identifiers: Orphanet 580, Orphanet 79388, MedGen C0026705, MONDO:0010674, OMIM 309900.

Submission:

Labcorp Genetics (formerly Invitae), Labcorp
Classification: Uncertain significance for Mucopolysaccharidosis, MPS-II. Last evaluated: 2023-05-05. Review status: criteria provided, single submitter. Criteria: Invitae Variant Classification Sherloc (09022015). Collection method: clinical testing. Allele origin: germline.
Comment: In summary, the available evidence is currently insufficient to determine the role of this variant in disease. Therefore, it has been classified as a Variant of Uncertain Significance. Advanced modeling of protein sequence and biophysical properties (such as structural, functional, and spatial information, amino acid conservation, physicochemical variation, residue mobility, and thermodynamic stability) performed at Invitae indicates that this missense variant is expected to disrupt IDS protein function. This variant has not been reported in the literature in individuals affected with IDS-related conditions. This variant is not present in population databases (gnomAD no frequency). This sequence change replaces valine, which is neutral and non-polar, with phenylalanine, which is neutral and non-polar, at codon 311 of the IDS protein (p.Val311Phe).

NM_000202.8(IDS):c.931G>T (p.Val311Phe)

Genes: IDS (iduronate 2-sulfatase; minus strand), LOC106050102 (IDS recombination region; plus strand). Cytogenetic location: Xq28.
Variant type: single nucleotide variant.
Coding change: c.931G>T on transcript NM_000202.8 (MANE Select); coding-DNA position 931, G replaced by T.
Protein change: p.Val311Phe; replaces valine 311 with phenylalanine.
Molecular consequence: missense variant. On other transcripts: non-coding transcript variant (1).
Genome position (GRCh38, 1-based): chrX:149,490,389, C>A on the plus strand (G>T on the coding strand, the complement: IDS is on the minus strand). VCF-style: chrX-149490389-C-A. GRCh37 (hg19) VCF-style: chrX-148571920-C-A.
Other names: c.661G>T, p.Val221Phe (NM_001166550.4); c.931G>T, p.Val311Phe (NM_006123.5); short protein forms V221F, V311F.
Identifiers: ClinVar variation 2862194 (VCV002862194.3), dbSNP rs1557338597, ClinGen allele CA414520247.